The following is an entry in ClinVar:

ClinVar aggregate classification (germline): Uncertain significance (1 of 4 stars; one submission).

Submission:

Ambry Genetics
Classification: Uncertain significance. Last evaluated: 2025-03-04. Review status: criteria provided, single submitter. Criteria: Ambry Variant Classification Scheme 2023. Collection method: clinical testing. Allele origin: germline.
Comment: The p.Q239R variant (also known as c.716A>G), located in coding exon 7 of the SRP72 gene, results from an A to G substitution at nucleotide position 716. The glutamine at codon 239 is replaced by arginine, an amino acid with highly similar properties. This amino acid position is conserved. In addition, this alteration is predicted to be tolerated by in silico analysis. Based on the available evidence, the clinical significance of this variant remains unclear.

NM_006947.4(SRP72):c.716A>G (p.Gln239Arg)

Gene: SRP72 (signal recognition particle 72; plus strand). Cytogenetic location: 4q12.
Variant type: single nucleotide variant.
Coding change: c.716A>G on transcript NM_006947.4 (MANE Select); coding-DNA position 716, A replaced by G.
Protein change: p.Gln239Arg; replaces glutamine 239 with arginine.
Molecular consequence: missense variant. On other transcripts: non-coding transcript variant (1), intron variant (1).
Genome position (GRCh38, 1-based): chr4:56,478,452, A>G. VCF-style: chr4-56478452-A-G. GRCh37 (hg19) VCF-style: chr4-57344618-A-G.
Other names: c.642+1750A>G (NM_001267722.2); short protein forms Q239R.
Identifiers: ClinVar variation 3801510 (VCV003801510.1).